The following is an entry in ClinVar:

NM_003476.5(CSRP3):c.76A>G (p.Asn26Asp)

Gene: CSRP3 (cysteine and glycine rich protein 3; minus strand). Cytogenetic location: 11p15.1.
Variant type: single nucleotide variant.
Coding change: c.76A>G on transcript NM_003476.5 (MANE Select); coding-DNA position 76, A replaced by G.
Protein change: p.Asn26Asp; replaces asparagine 26 with aspartic acid.
Molecular consequence: missense variant.
Genome position (GRCh38, 1-based): chr11:19,192,373, T>C on the plus strand (A>G on the coding strand, the complement: CSRP3 is on the minus strand). VCF-style: chr11-19192373-T-C. GRCh37 (hg19) VCF-style: chr11-19213920-T-C.
Other names: c.76A>G, p.Asn26Asp (NM_001369404.1); short protein forms N26D.
Identifiers: ClinVar variation 978748 (VCV000978748.6), dbSNP rs1408098337, ClinGen allele CA379888546.

ClinVar aggregate classification (germline): Conflicting classifications of pathogenicity. Review status: criteria provided, conflicting classifications (1 of 4 stars). 2 submissions from 2 submitters: Uncertain significance (1); Likely benign (1). Last evaluated 2023-02-17.

Conditions:
Hypertrophic cardiomyopathy 12. Identifiers: MedGen C2677491, MONDO:0012804, OMIM 612124.
Dilated cardiomyopathy 1M (CMD1M). Identifiers: Orphanet 154, MedGen C1843808, MONDO:0011840, OMIM 607482.
Hypertrophic cardiomyopathy. Also called: HYPERTROPHIC MYOCARDIOPATHY. Identifiers: Orphanet 217569, MedGen C0007194, MeSH D002312, MONDO:0005045, HP:0001639.

Allele frequency attached by ClinVar (database versions not stated): gnomAD exomes below 0.00001.
gnomAD v4.1: 4 of 1,614,214 alleles (0.00025%); highest among the groups gnomAD compares: South Asian, 0.0011%; no homozygotes.

Submissions (2):

Labcorp Genetics (formerly Invitae), Labcorp
Classification: Uncertain significance for Hypertrophic cardiomyopathy 12; Dilated cardiomyopathy 1M. Last evaluated: 2023-02-17. Review status: criteria provided, single submitter. Criteria: Invitae Variant Classification Sherloc (09022015). Collection method: clinical testing. Allele origin: germline.
Comment: In summary, the available evidence is currently insufficient to determine the role of this variant in disease. Therefore, it has been classified as a Variant of Uncertain Significance. An algorithm developed to predict the effect of missense changes on protein structure and function (PolyPhen-2) suggests that this variant is likely to be disruptive. ClinVar contains an entry for this variant (Variation ID: 978748). This variant has not been reported in the literature in individuals affected with CSRP3-related conditions. This variant is present in population databases (no rsID available, gnomAD 0.003%). This sequence change replaces asparagine, which is neutral and polar, with aspartic acid, which is acidic and polar, at codon 26 of the CSRP3 protein (p.Asn26Asp).

Genetics and Genomics Program, Sidra Medicine
Classification: Likely benign for Hypertrophic cardiomyopathy. Review status: criteria provided, single submitter. Criteria: ACMG Guidelines, 2015. Collection method: research. Allele origin: unknown. Affected: yes. Observed: 1 variant allele.